The following is an entry in ClinVar:

ClinVar aggregate classification (germline): Uncertain significance (1 of 4 stars; one submission).

gnomAD v4.1: 1 of 1,513,366 alleles (0.000066%); highest among the groups gnomAD compares: Non-Finnish European, 0.000088%; no homozygotes.

Submission:

GeneDx
Classification: Uncertain significance. Last evaluated: 2024-01-25. Review status: criteria provided, single submitter. Criteria: GeneDx Variant Classification Process June 2021. Collection method: clinical testing. Allele origin: germline. Affected: yes.
Comment: Not observed at significant frequency in large population cohorts (gnomAD); In silico analysis supports that this missense variant has a deleterious effect on protein structure/function; Has not been previously published as pathogenic or benign to our knowledge

NM_001042681.2(RERE):c.2893C>T (p.Pro965Ser)

Gene: RERE (arginine-glutamic acid dipeptide repeats; minus strand). Cytogenetic location: 1p36.23.
Variant type: single nucleotide variant.
Coding change: c.2893C>T on transcript NM_001042681.2 (MANE Select); coding-DNA position 2893, C replaced by T.
Protein change: p.Pro965Ser; replaces proline 965 with serine.
Molecular consequence: missense variant.
Genome position (GRCh38, 1-based): chr1:8,360,614, G>A on the plus strand (C>T on the coding strand, the complement: RERE is on the minus strand). VCF-style: chr1-8360614-G-A. GRCh37 (hg19) VCF-style: chr1-8420674-G-A.
Other names: c.1231C>T, p.Pro411Ser (NM_001042682.2); c.2893C>T, p.Pro965Ser (NM_012102.4); short protein forms P411S, P965S.
Identifiers: ClinVar variation 3368307 (VCV003368307.1).